The following is an entry in ClinVar:

NM_001458.5(FLNC):c.6020C>G (p.Pro2007Arg)

Genes: FLNC (filamin C; plus strand), FLNC-AS1 (FLNC antisense RNA 1; minus strand). Cytogenetic location: 7q32.1.
Variant type: single nucleotide variant.
Coding change: c.6020C>G on transcript NM_001458.5 (MANE Select); coding-DNA position 6020, C replaced by G.
Protein change: p.Pro2007Arg; replaces proline 2007 with arginine.
Molecular consequence: missense variant.
Genome position (GRCh38, 1-based): chr7:128,852,843, C>G. VCF-style: chr7-128852843-C-G. GRCh37 (hg19) VCF-style: chr7-128492897-C-G.
Other names: c.5921C>G, p.Pro1974Arg (NM_001127487.2); short protein forms P1974R, P2007R.
Identifiers: ClinVar variation 3751319 (VCV003751319.2).

ClinVar aggregate classification (germline): Uncertain significance (1 of 4 stars; one submission).

Conditions:
Distal myopathy with posterior leg and anterior hand involvement. Also called: WILLIAMS DISTAL MYOPATHY. Identifiers: Orphanet 63273, MedGen C3279722, MONDO:0013550, OMIM 614065.
Hypertrophic cardiomyopathy 26. Also called: Cardiomyopathy, familial hypertrophic, 26. Identifiers: Orphanet 75249, MedGen C4310749, MONDO:0014883, OMIM 617047.
Myofibrillar myopathy 5. Also called: Filaminopathy (type); FILAMINOPATHY, AUTOSOMAL DOMINANT. Identifiers: Orphanet 171445, MedGen C1836050, MONDO:0012289, OMIM 609524.

Submission:

Labcorp Genetics (formerly Invitae), Labcorp
Classification: Uncertain significance for Distal myopathy with posterior leg and anterior hand involvement; Myofibrillar myopathy 5; Hypertrophic cardiomyopathy 26. Last evaluated: 2024-02-08. Review status: criteria provided, single submitter. Criteria: Invitae Variant Classification Sherloc (09022015). Collection method: clinical testing. Allele origin: germline.
Comment: This sequence change replaces proline, which is neutral and non-polar, with arginine, which is basic and polar, at codon 2007 of the FLNC protein (p.Pro2007Arg). This variant is not present in population databases (gnomAD no frequency). This variant has not been reported in the literature in individuals affected with FLNC-related conditions. Advanced modeling of protein sequence and biophysical properties (such as structural, functional, and spatial information, amino acid conservation, physicochemical variation, residue mobility, and thermodynamic stability) has been performed at Invitae for this missense variant, however the output from this modeling did not meet the statistical confidence thresholds required to predict the impact of this variant on FLNC protein function. In summary, the available evidence is currently insufficient to determine the role of this variant in disease. Therefore, it has been classified as a Variant of Uncertain Significance.